The following is an entry in ClinVar:

ClinVar aggregate classification (germline): Pathogenic (1 of 4 stars; one submission).

Conditions:
Hereditary spastic paraplegia 30. Identifiers: Orphanet 101010, MedGen C5235139, MONDO:0012476.
Neuropathy, hereditary sensory, type 2C. Also called: Hereditary sensory and autonomic neuropathy type IIC; KIF1A-Related HSAN2 (HSAN2C). Identifiers: Orphanet 970, MedGen C3280168, MONDO:0013634, OMIM 614213.
Intellectual disability, autosomal dominant 9 (NESCAVS). Also called: NESCAV SYNDROME; KIF1A-Related Neurodevelopmental Disorder. Identifiers: Orphanet 662367, MedGen C5393830, MONDO:0013656, OMIM 614255.

Submission:

Labcorp Genetics (formerly Invitae), Labcorp
Classification: Pathogenic for Hereditary spastic paraplegia 30; Neuropathy, hereditary sensory, type 2C; Intellectual disability, autosomal dominant 9. Last evaluated: 2022-11-15. Review status: criteria provided, single submitter. Criteria: Invitae Variant Classification Sherloc (09022015). Collection method: clinical testing. Allele origin: germline.
Comment: For these reasons, this variant has been classified as Pathogenic. Algorithms developed to predict the effect of sequence changes on RNA splicing suggest that this variant may disrupt the consensus splice site. Experimental studies and prediction algorithms are not available or were not evaluated, and the functional significance of this variant is currently unknown. ClinVar contains an entry for this variant (Variation ID: 1395436). This variant has been observed in individual(s) with clinical features of KIF1A-related conditions (Invitae). In at least one individual the variant was observed to be de novo. This variant is not present in population databases (gnomAD no frequency). This variant, c.784_798del, results in the deletion of 5 amino acid(s) of the KIF1A protein (p.Gly262_Lys266del), but otherwise preserves the integrity of the reading frame.

NM_001244008.2(KIF1A):c.785_798+1del

Gene: KIF1A (kinesin family member 1A; minus strand). Cytogenetic location: 2q37.3.
Variant type: Deletion.
Coding change: c.785_798+1del on transcript NM_001244008.2 (MANE Select); coding-DNA position 785 through the canonical splice donor site of the intron after coding-DNA position 798, 15 bases deleted (GCACGCGCCTCAAGG).
Molecular consequence: splice donor variant.
Genome position (GRCh38, 1-based): chr2:240,783,738-240,783,752, CCTTGAGGCGCGTGC deleted on the plus strand (GCACGCGCCTCAAGG on the coding strand, the reverse complement: KIF1A is on the minus strand); deleting any 15 consecutive bases within chr2:240,783,738-240,783,757 gives the same sequence; the c. name uses the placement nearest the transcript's 3' end. VCF-style (leftmost placement, unchanged base first): chr2-240783737-ACCTTGAGGCGCGTGC-A. GRCh37 (hg19) VCF-style: chr2-241723154-ACCTTGAGGCGCGTGC-A.
Other names: c.785_798+1del (NM_001379653.1, NM_001379650.1, NM_001379645.1 and 20 more transcripts).
Identifiers: ClinVar variation 1395436 (VCV001395436.6), dbSNP rs2126054169, ClinGen allele CA2573135683.